The following is an entry in ClinVar:

ClinVar aggregate classification (germline): Benign (1 of 4 stars; one submission).

Allele frequency attached by ClinVar (database versions not stated): 1000 Genomes Project 30x 0.10915; 1000 Genomes Project 0.11542; TOPMed 0.13013.
gnomAD v4.1: 20,191 of 152,068 alleles (13%); highest among the groups gnomAD compares: East Asian, 22%; 1,572 homozygotes.

Submission:

GeneDx
Classification: Benign. Last evaluated: 2018-06-18. Review status: criteria provided, single submitter. Criteria: GeneDx Variant Classification (06012015). Collection method: clinical testing. Allele origin: germline. Affected: yes.
Comment: This variant is considered likely benign or benign based on one or more of the following criteria: it is a conservative change, it occurs at a poorly conserved position in the protein, it is predicted to be benign by multiple in silico algorithms, and/or has population frequency not consistent with disease.

NM_016373.4(WWOX):c.410-270C>T

Gene: WWOX (WW domain containing oxidoreductase; plus strand). Cytogenetic location: 16q23.1.
Variant type: single nucleotide variant.
Coding change: c.410-270C>T on transcript NM_016373.4 (MANE Select); 270 bases into the intron before coding-DNA position 410, C replaced by T.
Molecular consequence: intron variant.
Genome position (GRCh38, 1-based): chr16:78,163,913, C>T. VCF-style: chr16-78163913-C-T. GRCh37 (hg19) VCF-style: chr16-78197810-C-T.
Other names: c.71-270C>T (NM_001291997.2); c.410-270C>T (NM_130791.5).
Identifiers: ClinVar variation 668857 (VCV000668857.1), dbSNP rs62045117, ClinGen allele CA14252162.